The following is an entry in ClinVar:

ClinVar aggregate classification (germline): Uncertain significance (1 of 4 stars; one submission).

Conditions:
Charcot-Marie-Tooth Neuropathy X. Identifiers: MedGen CN118851.

gnomAD v4.1: 2 of 1,211,974 alleles (0.00017%); highest among the groups gnomAD compares: Non-Finnish European, 0.00022%; no homozygotes.

Submission:

Labcorp Genetics (formerly Invitae), Labcorp
Classification: Uncertain significance for Charcot-Marie-Tooth Neuropathy X. Last evaluated: 2025-04-17. Review status: criteria provided, single submitter. Criteria: Invitae Variant Classification Sherloc (09022015). Collection method: clinical testing. Allele origin: germline.
Comment: This sequence change replaces valine, which is neutral and non-polar, with methionine, which is neutral and non-polar, at codon 215 of the PRPS1 protein (p.Val215Met). This variant is not present in population databases (gnomAD no frequency). This variant has not been reported in the literature in individuals affected with PRPS1-related conditions. ClinVar contains an entry for this variant (Variation ID: 3648924). Invitae Evidence Modeling of protein sequence and biophysical properties (such as structural, functional, and spatial information, amino acid conservation, physicochemical variation, residue mobility, and thermodynamic stability) indicates that this missense variant is not expected to disrupt PRPS1 protein function with a negative predictive value of 80%. In summary, the available evidence is currently insufficient to determine the role of this variant in disease. Therefore, it has been classified as a Variant of Uncertain Significance.

NM_002764.4(PRPS1):c.643G>A (p.Val215Met)

Gene: PRPS1 (phosphoribosyl pyrophosphate synthetase 1; plus strand). Cytogenetic location: Xq22.3.
Variant type: single nucleotide variant.
Coding change: c.643G>A on transcript NM_002764.4 (MANE Select); coding-DNA position 643, G replaced by A.
Protein change: p.Val215Met; replaces valine 215 with methionine.
Molecular consequence: missense variant.
Genome position (GRCh38, 1-based): chrX:107,645,289, G>A. VCF-style: chrX-107645289-G-A. GRCh37 (hg19) VCF-style: chrX-106888519-G-A.
Other names: c.31G>A, p.Val11Met (NM_001204402.2); short protein forms V215M, V11M.
Identifiers: ClinVar variation 3648924 (VCV003648924.2).